The following is an entry in ClinVar:

ClinVar aggregate classification (germline): Uncertain significance (1 of 4 stars; one submission).

Conditions:
SEMA3C-related disorder. Also called: SEMA3C-related condition.

gnomAD v4.1: 8 of 1,607,122 alleles (0.0005%); highest among the groups gnomAD compares: African/African-American, 0.0013%; no homozygotes.

Submission:

PreventionGenetics, part of Exact Sciences
Classification: Uncertain significance for SEMA3C-related condition. Last evaluated: 2026-04-21. Review status: criteria provided, single submitter. Criteria: ACMG Guidelines, 2015. Collection method: clinical testing. Allele origin: germline.
Comment: The SEMA3C c.1411C>G variant is predicted to result in the amino acid substitution p.Arg471Gly. To our knowledge, this variant has not been reported in the literature. This variant is reported in 0.0081% of alleles in individuals of African descent in gnomAD. At this time, the clinical significance of this variant is uncertain due to the absence of conclusive functional and genetic evidence.

NM_006379.5(SEMA3C):c.1357C>G (p.Arg453Gly)

Gene: SEMA3C (semaphorin 3C; minus strand). Cytogenetic location: 7q21.11.
Variant type: single nucleotide variant.
Coding change: c.1357C>G on transcript NM_006379.5 (MANE Select); coding-DNA position 1357, C replaced by G.
Protein change: p.Arg453Gly; replaces arginine 453 with glycine.
Molecular consequence: missense variant.
Genome position (GRCh38, 1-based): chr7:80,765,241, G>C on the plus strand (C>G on the coding strand, the complement: SEMA3C is on the minus strand). VCF-style: chr7-80765241-G-C. GRCh37 (hg19) VCF-style: chr7-80394557-G-C.
Other names: c.1411C>G, p.Arg471Gly (NM_001350120.2); c.1183C>G, p.Arg395Gly (NM_001350121.2); short protein forms R471G, R395G, R453G.
Identifiers: ClinVar variation 4997580 (VCV004997580.1).
Genomic context (GRCh38, chr7:80,765,241, plus strand): 5'-TGAGCTCGCCACTGACAGAGTTGTTAGTAGGAAGAACAACCACTTTTTGCACAGTACCCC[G>C]ATCTAAATTAAAAAAAGAAGAAATGAGATGTTACAATACTTTTTAAAAGAAAGCTATTTA-3'
Protein context (NP_006370.1, residues 443-463): RYHVLFLGTD[Arg453Gly]GTVQKVVVLP